The following is an entry in ClinVar:

NM_000092.5(COL4A4):c.727G>C (p.Gly243Arg)

Gene: COL4A4 (collagen type IV alpha 4 chain; minus strand). Cytogenetic location: 2q36.3.
Variant type: single nucleotide variant.
Coding change: c.727G>C on transcript NM_000092.5 (MANE Select); coding-DNA position 727, G replaced by C.
Protein change: p.Gly243Arg; replaces glycine 243 with arginine.
Molecular consequence: missense variant.
Genome position (GRCh38, 1-based): chr2:227,108,589, C>G on the plus strand (G>C on the coding strand, the complement: COL4A4 is on the minus strand). VCF-style: chr2-227108589-C-G. GRCh37 (hg19) VCF-style: chr2-227973305-C-G.
Other names: short protein forms G243R.
Identifiers: ClinVar variation 4817348 (VCV004817348.2).

ClinVar aggregate classification (germline): Conflicting classifications of pathogenicity. Review status: criteria provided, conflicting classifications (1 of 4 stars). 2 submissions from 2 submitters: Likely pathogenic (1); Uncertain significance (1). Last evaluated 2025-09-04.

Conditions:
Alport syndrome. Also called: Hemorrhagic familial nephritis; Hemorrhagic hereditary nephritis; Congenital hereditary hematuria. Identifiers: Orphanet 63, MedGen C1567741, MONDO:0018965.
Hematuria, benign familial, 1 (BFH1). Also called: THIN MEMBRANE NEPHROPATHY. Identifiers: MedGen CN376803, MONDO:0007709, OMIM 141200.
Autosomal recessive Alport syndrome (ATS2). Also called: COL4A4 Alport Syndrome and Thin Basement Membrane Nephropathy; ALPORT SYNDROME 2, AUTOSOMAL RECESSIVE; Alport syndrome type 2; COL4A3-Related Nephropathy. Identifiers: Orphanet 63, Orphanet 88919, MedGen C4746745, MONDO:0008762, OMIM 203780.

Submissions (2):

Natera, Inc.
Classification: Likely pathogenic for Alport syndrome. Last evaluated: 2025-09-04. Review status: criteria provided, single submitter. Criteria: Natera Variant Classification Schema (03/2026). Collection method: clinical testing. Allele origin: germline.
Comment: The c.727G>C variant in COL4A4 is a missense variant predicted to cause substitution of glycine to arginine at amino acid 243. This variant is rare in the general population with a frequency below the threshold expected for the associated phenotype(s). This variant is located in a functionally critical region of the protein. Computational prediction algorithms indicate this variant is likely to affect gene or protein function. Given the available evidence, this variant is classified as Likely Pathogenic.

Juno Genomics, Hangzhou Juno Genomics, Inc
Classification: Uncertain significance for Autosomal recessive Alport syndrome; Hematuria, benign familial, 1. Review status: criteria provided, single submitter. Criteria: ACMG Guidelines, 2015. Collection method: clinical testing. Allele origin: germline. Affected: yes.
Comment: Absent from controls (or at extremely low frequency if recessive) in Genome Aggregation Database.;Multiple lines of computational evidence support a deleterious effect on the gene or gene product.;Patient's phenotype or family history is highly specific for a disease with a single genetic etiology.